The following is an entry in ClinVar:

ClinVar aggregate classification (germline): Uncertain significance. Review status: criteria provided, multiple submitters, no conflicts (2 of 4 stars). 2 submissions from 2 submitters: Uncertain significance (2). Last evaluated 2023-10-27.

Conditions:
DICER1-related tumor predisposition. Also called: DICER1 syndrome; DICER1-related pleuropulmonary blastoma cancer predisposition syndrome. Identifiers: Orphanet 284343, MedGen C3839822, MONDO:0100216.
Hereditary cancer-predisposing syndrome. Also called: Hereditary neoplastic syndrome; Tumor predisposition; Neoplastic Syndromes, Hereditary; Hereditary Cancer Syndrome. Identifiers: Orphanet 140162, MedGen C0027672, MeSH D009386, MONDO:0015356.

Allele frequency attached by ClinVar (database versions not stated): ExAC 0.00001; gnomAD 0.00001; gnomAD exomes 0.00001; 1000 Genomes Project 30x 0.00016; 1000 Genomes Project 0.00020.
gnomAD v4.1: 4 of 1,613,772 alleles (0.00025%); highest among the groups gnomAD compares: East Asian, 0.0089%; no homozygotes.

Submissions (2):

Labcorp Genetics (formerly Invitae), Labcorp
Classification: Uncertain significance for DICER1-related tumor predisposition. Last evaluated: 2023-10-27. Review status: criteria provided, single submitter. Criteria: Invitae Variant Classification Sherloc (09022015). Collection method: clinical testing. Allele origin: germline.
Comment: This sequence change replaces alanine, which is neutral and non-polar, with serine, which is neutral and polar, at codon 74 of the DICER1 protein (p.Ala74Ser). This variant is present in population databases (rs202181696, gnomAD 0.01%). This variant has not been reported in the literature in individuals affected with DICER1-related conditions. ClinVar contains an entry for this variant (Variation ID: 2471921). Advanced modeling of protein sequence and biophysical properties (such as structural, functional, and spatial information, amino acid conservation, physicochemical variation, residue mobility, and thermodynamic stability) performed at Invitae indicates that this missense variant is not expected to disrupt DICER1 protein function with a negative predictive value of 80%. In summary, the available evidence is currently insufficient to determine the role of this variant in disease. Therefore, it has been classified as a Variant of Uncertain Significance.

Ambry Genetics
Classification: Uncertain significance for Hereditary cancer-predisposing syndrome. Last evaluated: 2022-11-25. Review status: criteria provided, single submitter. Criteria: Ambry Variant Classification Scheme 2023. Collection method: clinical testing. Allele origin: germline.
Comment: The p.A74S variant (also known as c.220G>T), located in coding exon 2 of the DICER1 gene, results from a G to T substitution at nucleotide position 220. The alanine at codon 74 is replaced by serine, an amino acid with similar properties. This amino acid position is conserved. In addition, the in silico prediction for this alteration is inconclusive. Since supporting evidence is limited at this time, the clinical significance of this alteration remains unclear.

NM_177438.3(DICER1):c.220G>T (p.Ala74Ser)

Gene: DICER1 (dicer 1, ribonuclease III; minus strand). Cytogenetic location: 14q32.13.
Variant type: single nucleotide variant.
Coding change: c.220G>T on transcript NM_177438.3 (MANE Select); coding-DNA position 220, G replaced by T.
Protein change: p.Ala74Ser; replaces alanine 74 with serine.
Molecular consequence: missense variant. On other transcripts: 5 prime UTR variant (9), non-coding transcript variant (6).
Genome position (GRCh38, 1-based): chr14:95,132,602, C>A on the plus strand (G>T on the coding strand, the complement: DICER1 is on the minus strand). VCF-style: chr14-95132602-C-A. GRCh37 (hg19) VCF-style: chr14-95598939-C-A.
Other names: c.220G>T, p.Ala74Ser (NM_001195573.1, NM_001271282.3, NM_001291628.2 and 15 more transcripts); c.-55G>T (NM_001395686.1, NM_001395687.1, NM_001395688.1 and 4 more transcripts); c.-239G>T (NM_001395691.1); c.-1349G>T (NM_001395697.1); short protein forms A74S.
Identifiers: ClinVar variation 2471921 (VCV002471921.5), dbSNP rs202181696, ClinGen allele CA7331714.